The following is an entry in ClinVar:

ClinVar aggregate classification (germline): Pathogenic (1 of 4 stars; one submission).

Conditions:
Neuromuscular disease caused by qualitative or quantitative defects of dystrophin. Also called: Qualitative or quantitative defects of dystrophin. Identifiers: Orphanet 207085, MedGen C5679787, MONDO:0016147.

Submission:

Women's Health and Genetics/Laboratory Corporation of America, LabCorp
Classification: Pathogenic for Neuromuscular disease caused by qualitative or quantitative defects of dystrophin. Last evaluated: 2022-10-13. Review status: criteria provided, single submitter. Criteria: LabCorp Variant Classification Summary - May 2015. Collection method: clinical testing. Allele origin: germline.
Comment: Variant summary: The variant identified by MLPA or other technology involves the deletion of exons 3-9 in the DMD gene. A presumed nomenclature of c.(93+1_94-1)_(960+1_961-1)del has been designated for the purposes of this classification. Although exact breakpoints of this deletion are not known, it is expected to result in a large in-frame deletion in the DMD gene, a known mechanism of disease. The variant was absent in 16099 control chromosomes (gnomAD Structural Variants dataset). c.(93+1_94-1)_(960+1_961-1)del has been reported in the literature in multiple hemizygous individuals affected with Beckers Muscular Dystrophy (e.g. Srour_2008, Zimowski_2014, Nakamura_2016, Ling_2020). The clinical phenotype was varied among reported cases, including one individual with intellectual disability (Srour_2008), and one individual who was nearly asymptomatic (Nakamura_2016). These data indicate that the variant is likely to be associated with disease. Western blot analysis of a patient's muscle biopsy showed ~15% protein expression (Nakamura_2016). One ClinVar submitter has assessed the variant since 2014: the variant was classified as likely pathogenic. Based on the evidence outlined above, the variant was classified as pathogenic.

Literature cited by the submitters: PubMed 25482253; PubMed 31705731; PubMed 27009627; PubMed 19073314.

NC_000023.10:g.(32663270_32715986)_(32867938_33038255)del

Gene: DMD (dystrophin; minus strand). Cytogenetic location: Xp21.1.
Variant type: Deletion.
Identifiers: ClinVar variation 1723312 (VCV001723312.1).